The following is an entry in ClinVar:

ClinVar aggregate classification (germline): Likely benign. Review status: criteria provided, multiple submitters, no conflicts (2 of 4 stars). 3 submissions from 3 submitters: Likely benign (2). 1 of the submissions does not count toward it. Last evaluated 2024-11-12.

Conditions:
DOLK-related disorder. Also called: DOLK-related condition.
DK1-congenital disorder of glycosylation. Also called: DK1 DEFICIENCY; DOLICHOL KINASE DEFICIENCY; DK1-CDG; CONGENITAL DISORDER OF GLYCOSYLATION, TYPE Im; CDG Im; DOLK-congenital disorder of glycosylation. Identifiers: Orphanet 91131, MedGen C1835849, MONDO:0012556, OMIM 610768.

Allele frequency attached by ClinVar (database versions not stated): gnomAD exomes below 0.00001; TOPMed 0.00001; 1000 Genomes Project 30x 0.00031; 1000 Genomes Project 0.00040.

Submissions (3):

ARUP Laboratories, Molecular Genetics and Genomics, ARUP Laboratories
Classification: Likely benign for DK1-congenital disorder of glycosylation. Last evaluated: 2024-11-12. Review status: criteria provided, single submitter. Criteria: ARUP Molecular Germline Variant Investigation Process 2024. Collection method: clinical testing. Allele origin: germline.

Labcorp Genetics (formerly Invitae), Labcorp
Classification: Likely benign for DK1-congenital disorder of glycosylation. Last evaluated: 2022-10-17. Review status: criteria provided, single submitter. Criteria: Invitae Variant Classification Sherloc (09022015). Collection method: clinical testing. Allele origin: germline.

PreventionGenetics, part of Exact Sciences
Classification: Likely benign for DOLK-related condition. Last evaluated: 2023-04-14. Review status: no assertion criteria provided. Collection method: clinical testing. Allele origin: germline. Not counted in ClinVar's aggregate classification.
Comment: This variant is classified as likely benign based on ACMG/AMP sequence variant interpretation guidelines (Richards et al. 2015 PMID: 25741868, with internal and published modifications).

NM_014908.4(DOLK):c.1170C>T (p.Ser390=)

Gene: DOLK (dolichol kinase; minus strand). Cytogenetic location: 9q34.11.
Variant type: single nucleotide variant.
Coding change: c.1170C>T on transcript NM_014908.4 (MANE Select); coding-DNA position 1170, C replaced by T.
Protein change: p.Ser390=; no amino-acid change (serine 390 retained).
Molecular consequence: synonymous variant.
Genome position (GRCh38, 1-based): chr9:128,946,134, G>A on the plus strand (C>T on the coding strand, the complement: DOLK is on the minus strand). VCF-style: chr9-128946134-G-A. GRCh37 (hg19) VCF-style: chr9-131708413-G-A.
Identifiers: ClinVar variation 2190627 (VCV002190627.7), dbSNP rs192515773, ClinGen allele CA5271614.